The following is an entry in ClinVar:

ClinVar aggregate classification (germline): Pathogenic. Review status: criteria provided, multiple submitters, no conflicts (2 of 4 stars). 3 submissions from 3 submitters: Pathogenic (3). Last evaluated 2026-04-01.

Conditions:
Neurodevelopmental disorder with cerebellar atrophy and with or without seizures. Identifiers: MedGen C4748032, MONDO:0020841, OMIM 618056.
Neonatal-onset encephalopathy with rigidity and seizures. Also called: Lethal neonatal spasticity-epileptic encephalopathy syndrome. Identifiers: Orphanet 435845, MedGen C3281029, MONDO:0013784, OMIM 614498.

Allele frequency attached by ClinVar (database versions not stated): ExAC 0.00004; gnomAD exomes 0.00004.
gnomAD v4.1: 25 of 1,611,734 alleles (0.0016%); highest among the groups gnomAD compares: South Asian, 0.027%; no homozygotes.

Submissions (3):

CeGaT Center for Human Genetics Tuebingen
Classification: Pathogenic. Last evaluated: 2026-04-01. Review status: criteria provided, single submitter. Criteria: CeGaT Center For Human Genetics Tuebingen Variant Classification Criteria Version 2. Collection method: clinical testing. Allele origin: germline. Affected: yes. Observed: 1 variant allele.
Comment: BRAT1: PVS1, PM2, PM3

First Genomix Gene Laboratory, Genetic Diagnostics Department
Classification: Pathogenic for Neurodevelopmental disorder with cerebellar atrophy and with or without seizures; Neonatal-onset encephalopathy with rigidity and seizures. Last evaluated: 2025-09-16. Review status: criteria provided, single submitter. Criteria: ACMG Guidelines, 2015. Collection method: clinical testing. Allele origin: germline. Inheritance: Autosomal recessive inheritance. Affected: no. Observed: 1 variant allele.

Labcorp Genetics (formerly Invitae), Labcorp
Classification: Pathogenic for Neonatal-onset encephalopathy with rigidity and seizures. Last evaluated: 2023-12-11. Review status: criteria provided, single submitter. Criteria: Invitae Variant Classification Sherloc (09022015). Collection method: clinical testing. Allele origin: germline.
Comment: This sequence change creates a premature translational stop signal (p.Leu206*) in the BRAT1 gene. It is expected to result in an absent or disrupted protein product. Loss-of-function variants in BRAT1 are known to be pathogenic (PMID: 22279524, 25500575). This variant is present in population databases (rs762469913, gnomAD 0.03%). This variant has not been reported in the literature in individuals affected with BRAT1-related conditions. ClinVar contains an entry for this variant (Variation ID: 1031685). For these reasons, this variant has been classified as Pathogenic.

Literature cited by the submitters: PubMed 22279524 (cited by Labcorp Genetics (formerly Invitae), Labcorp); PubMed 25500575 (cited by Labcorp Genetics (formerly Invitae), Labcorp).

NM_152743.4(BRAT1):c.617T>A (p.Leu206Ter)

Gene: BRAT1 (BRCA1 associated ATM activator 1; minus strand). Cytogenetic location: 7p22.3.
Variant type: single nucleotide variant.
Coding change: c.617T>A on transcript NM_152743.4 (MANE Select); coding-DNA position 617, T replaced by A.
Protein change: p.Leu206Ter; replaces leucine 206 with a stop codon.
Molecular consequence: nonsense. On other transcripts: non-coding transcript variant (1).
Genome position (GRCh38, 1-based): chr7:2,543,776, A>T on the plus strand (T>A on the coding strand, the complement: BRAT1 is on the minus strand). VCF-style: chr7-2543776-A-T. GRCh37 (hg19) VCF-style: chr7-2583410-A-T.
Other names: c.617T>A, p.Leu206Ter (NM_001350626.2); c.92T>A, p.Leu31Ter (NM_001350627.2); short protein forms L31*, L206*.
Identifiers: ClinVar variation 1031685 (VCV001031685.12), dbSNP rs762469913, ClinGen allele CA4128143.